The following is an entry in ClinVar:

NM_003922.4(HERC1):c.7088C>T (p.Ser2363Leu)

Gene: HERC1 (HECT and RLD domain containing E3 ubiquitin protein ligase family member 1; minus strand). Cytogenetic location: 15q22.31.
Variant type: single nucleotide variant.
Coding change: c.7088C>T on transcript NM_003922.4 (MANE Select); coding-DNA position 7088, C replaced by T.
Protein change: p.Ser2363Leu; replaces serine 2363 with leucine.
Molecular consequence: missense variant.
Genome position (GRCh38, 1-based): chr15:63,675,100, G>A on the plus strand (C>T on the coding strand, the complement: HERC1 is on the minus strand). VCF-style: chr15-63675100-G-A. GRCh37 (hg19) VCF-style: chr15-63967299-G-A.
Other names: short protein forms S2363L.
Identifiers: ClinVar variation 1032168 (VCV001032168.8), dbSNP rs2071127185, ClinGen allele CA392766299.

ClinVar aggregate classification (germline): Uncertain significance. Review status: criteria provided, multiple submitters, no conflicts (2 of 4 stars). 3 submissions from 3 submitters: Uncertain significance (3). Last evaluated 2023-12-11.

Conditions:
Macrocephaly, dysmorphic facies, and psychomotor retardation (MDFPMR). Identifiers: Orphanet 457359, MedGen C4310766, MONDO:0014863, OMIM 617011.

Allele frequency attached by ClinVar (database versions not stated): TOPMed below 0.00001.
gnomAD v4.1: 9 of 1,584,088 alleles (0.00057%); highest among the groups gnomAD compares: Non-Finnish European, 0.00077%; no homozygotes.

Submissions (3):

Labcorp Genetics (formerly Invitae), Labcorp
Classification: Uncertain significance. Last evaluated: 2023-12-11. Review status: criteria provided, single submitter. Criteria: Invitae Variant Classification Sherloc (09022015). Collection method: clinical testing. Allele origin: germline.
Comment: This sequence change replaces serine, which is neutral and polar, with leucine, which is neutral and non-polar, at codon 2363 of the HERC1 protein (p.Ser2363Leu). This variant is not present in population databases (gnomAD no frequency). This variant has not been reported in the literature in individuals affected with HERC1-related conditions. ClinVar contains an entry for this variant (Variation ID: 1032168). Advanced modeling of protein sequence and biophysical properties (such as structural, functional, and spatial information, amino acid conservation, physicochemical variation, residue mobility, and thermodynamic stability) performed at Invitae indicates that this missense variant is not expected to disrupt HERC1 protein function with a negative predictive value of 80%. Algorithms developed to predict the effect of sequence changes on RNA splicing suggest that this variant may disrupt the consensus splice site. In summary, the available evidence is currently insufficient to determine the role of this variant in disease. Therefore, it has been classified as a Variant of Uncertain Significance.

Revvity Omics, Revvity
Classification: Uncertain significance for Macrocephaly, dysmorphic facies, and psychomotor retardation. Last evaluated: 2021-11-22. Review status: criteria provided, single submitter. Criteria: ACMG Guidelines, 2015. Collection method: clinical testing. Allele origin: germline.

Baylor Genetics
Classification: Uncertain significance for Macrocephaly, dysmorphic facies, and psychomotor retardation. Last evaluated: 2018-06-28. Review status: criteria provided, single submitter. Criteria: ACMG Guidelines, 2015. Collection method: clinical testing. Allele origin: maternal. Affected: yes.
Comment: This variant was determined to be of uncertain significance according to ACMG Guidelines, 2015 [PMID:25741868].